The following is an entry in ClinVar:

NM_005445.4(SMC3):c.1647C>G (p.Cys549Trp)

Gene: SMC3 (structural maintenance of chromosomes 3; plus strand). Cytogenetic location: 10q25.2.
Variant type: single nucleotide variant.
Coding change: c.1647C>G on transcript NM_005445.4 (MANE Select); coding-DNA position 1647, C replaced by G.
Protein change: p.Cys549Trp; replaces cysteine 549 with tryptophan.
Molecular consequence: missense variant.
Genome position (GRCh38, 1-based): chr10:110,590,549, C>G. VCF-style: chr10-110590549-C-G. GRCh37 (hg19) VCF-style: chr10-112350307-C-G.
Other names: short protein forms C549W.
Identifiers: ClinVar variation 3347015 (VCV003347015.1).

ClinVar aggregate classification (germline): Uncertain significance (0 of 4 stars; one submission).

Conditions:
SMC3-related disorder. Also called: SMC3-related condition.

Submission:

PreventionGenetics, part of Exact Sciences
Classification: Uncertain significance for SMC3-related condition. Last evaluated: 2024-06-10. Review status: no assertion criteria provided. Collection method: clinical testing. Allele origin: germline.
Comment: The SMC3 c.1647C>G variant is predicted to result in the amino acid substitution p.Cys549Trp. To our knowledge, this variant has not been reported in the literature or in a large population database, indicating this variant is rare. At this time, the clinical significance of this variant is uncertain due to the absence of conclusive functional and genetic evidence.